The following is an entry in ClinVar:

NM_001384140.1(PCDH15):c.2135A>T (p.Asp712Val)

Gene: PCDH15 (protocadherin related 15; minus strand). Cytogenetic location: 10q21.1.
Variant type: single nucleotide variant.
Coding change: c.2135A>T on transcript NM_001384140.1 (MANE Select); coding-DNA position 2135, A replaced by T.
Protein change: p.Asp712Val; replaces aspartic acid 712 with valine.
Molecular consequence: missense variant.
Genome position (GRCh38, 1-based): chr10:54,066,842, T>A on the plus strand (A>T on the coding strand, the complement: PCDH15 is on the minus strand). VCF-style: chr10-54066842-T-A. GRCh37 (hg19) VCF-style: chr10-55826602-T-A.
Other names: c.2150A>T, p.Asp717Val (NM_001142763.2, NM_001142771.2); c.2135A>T, p.Asp712Val (NM_001142764.2, NM_001142766.2, NM_001142770.3 and 5 more transcripts); c.1922A>T, p.Asp641Val (NM_001142765.2); c.2024A>T, p.Asp675Val (NM_001142767.2); c.2069A>T, p.Asp690Val (NM_001142768.2, NM_001142773.2, NM_001354404.2); c.2171A>T, p.Asp724Val (NM_001142769.4); c.2156A>T, p.Asp719Val (NM_001354411.2); short protein forms D641V, D675V, D690V, D712V, D717V, D719V, D724V.
Identifiers: ClinVar variation 2501647 (VCV002501647.1), dbSNP rs2539767891, ClinGen allele CA376517236.

ClinVar aggregate classification (germline): Uncertain significance (1 of 4 stars; one submission).

Allele frequency attached by ClinVar (database versions not stated): gnomAD exomes below 0.00001.
gnomAD v4.1: 2 of 1,613,500 alleles (0.00012%); highest among the groups gnomAD compares: Non-Finnish European, 0.000085%; no homozygotes.

Submission:

GeneDx
Classification: Uncertain significance. Last evaluated: 2022-11-08. Review status: criteria provided, single submitter. Criteria: GeneDx Variant Classification Process June 2021. Collection method: clinical testing. Allele origin: germline. Affected: yes.
Comment: Not observed at significant frequency in large population cohorts (gnomAD); In silico analysis supports that this missense variant has a deleterious effect on protein structure/function; Has not been previously published as pathogenic or benign to our knowledge